The following is an entry in ClinVar:

ClinVar aggregate classification (germline): Conflicting classifications of pathogenicity. Review status: criteria provided, conflicting classifications (1 of 4 stars). 11 submissions from 11 submitters: Uncertain significance (8); Likely benign (2). 1 of the submissions does not count toward it. Last evaluated 2026-03-23.

Conditions:
CFTR-related disorder (CFTR-RD). Also called: CFTR-related disorders; CFTR-related condition. Identifiers: MedGen C5924204, MONDO:7770004.
Cystic fibrosis (CF). Also called: MUCOVISCIDOSIS. Identifiers: Orphanet 586, MedGen C0010674, MONDO:0009061, OMIM 219700. Disease mechanism: loss of function.

Allele frequency attached by ClinVar (database versions not stated): gnomAD below 0.00001 and 0.00001; TOPMed 0.00001; gnomAD exomes 0.00006 and 0.00020; ESP Exome Variant Server 0.00008; 1000 Genomes Project 30x 0.00016; 1000 Genomes Project 0.00020; ExAC 0.00022.
gnomAD v4.1: 102 of 1,613,174 alleles (0.0063%); highest among the groups gnomAD compares: South Asian, 0.099%; no homozygotes.

Submissions (11):

PreventionGenetics, part of Exact Sciences
Classification: Likely benign for CFTR-related condition. Last evaluated: 2026-03-23. Review status: criteria provided, single submitter. Criteria: ACMG Guidelines, 2015. Collection method: clinical testing. Allele origin: germline.
Comment: This variant is classified as likely benign based on ACMG/AMP sequence variant interpretation guidelines (Richards et al. 2015 PMID: 25741868, with internal and published modifications).

Women's Health and Genetics/Laboratory Corporation of America, LabCorp
Classification: Uncertain significance. Last evaluated: 2025-10-20. Review status: criteria provided, single submitter. Criteria: LabCorp Variant Classification Summary - May 2015. Collection method: clinical testing. Allele origin: germline.
Comment: Variant summary: CFTR c.3672T>A (p.Asn1224Lys) results in a non-conservative amino acid change located in the AAA+ ATPase domain (IPR003593) of the encoded protein sequence. Algorithms developed to predict the effect of missense changes on protein structure and function are either unavailable or do not agree on the potential impact of this missense change. The variant allele was found at a frequency of 0.0002 in 250038 control chromosomes, predominantly at a frequency of 0.0015 within the South Asian subpopulation in the gnomAD database. This frequency is not significantly higher than estimated for disease-causing variants in CFTR, allowing no conclusion about variant significance. This report does not provide unequivocal conclusions about association of the variant with Cystic Fibrosis. To our knowledge, no experimental evidence demonstrating an impact on protein function has been reported. The following publications have been ascertained in the context of this evaluation (PMID: 19833837, 26214305). ClinVar contains an entry for this variant (Variation ID: 495934). Based on the evidence outlined above, the variant was classified as uncertain significance.

Blueprint Genetics
Classification: Uncertain significance. Last evaluated: 2024-10-04. Review status: criteria provided, single submitter. Criteria: ACMG Guidelines, 2015. Collection method: clinical testing. Allele origin: germline.

GeneDx
Classification: Uncertain significance. Last evaluated: 2024-03-06. Review status: criteria provided, single submitter. Criteria: GeneDx Variant Classification Process June 2021. Collection method: clinical testing. Allele origin: germline. Affected: yes.
Comment: In silico analysis supports that this missense variant does not alter protein structure/function; This variant is associated with the following publications: (PMID: 19833837, 26214305)

Mayo Clinic Laboratories, Mayo Clinic
Classification: Uncertain significance. Last evaluated: 2022-12-30. Review status: criteria provided, single submitter. Criteria: ACMG Guidelines, 2015. Collection method: clinical testing. Allele origin: germline. Observed: 1 variant allele.

Labcorp Genetics (formerly Invitae), Labcorp
Classification: Uncertain significance for Cystic fibrosis. Last evaluated: 2022-03-30. Review status: criteria provided, single submitter. Criteria: Invitae Variant Classification Sherloc (09022015). Collection method: clinical testing. Allele origin: germline.
Comment: This sequence change replaces asparagine, which is neutral and polar, with lysine, which is basic and polar, at codon 1224 of the CFTR protein (p.Asn1224Lys). This variant is present in population databases (rs371475225, gnomAD 0.2%). This variant has not been reported in the literature in individuals affected with CFTR-related conditions. ClinVar contains an entry for this variant (Variation ID: 495934). Algorithms developed to predict the effect of missense changes on protein structure and function (SIFT, PolyPhen-2, Align-GVGD) all suggest that this variant is likely to be tolerated. In summary, the available evidence is currently insufficient to determine the role of this variant in disease. Therefore, it has been classified as a Variant of Uncertain Significance.

Department of Pathology and Laboratory Medicine, Sinai Health System
Classification: Uncertain significance for cystic fibrosis. Last evaluated: 2022-03-01. Review status: criteria provided, single submitter. Criteria: ACMG Guidelines, 2015. Collection method: research. Allele origin: germline.

Ambry Genetics
Classification: Likely benign for Cystic fibrosis. Last evaluated: 2021-10-18. Review status: criteria provided, single submitter. Criteria: Ambry Variant Classification Scheme 2023. Collection method: clinical testing. Allele origin: germline.

Genome-Nilou Lab
Classification: Uncertain significance for Cystic fibrosis. Last evaluated: 2021-09-05. Review status: criteria provided, single submitter. Criteria: ACMG Guidelines, 2015. Collection method: clinical testing. Allele origin: germline. Affected: no.

ARUP Laboratories, Molecular Genetics and Genomics, ARUP Laboratories
Classification: Uncertain significance. Last evaluated: 2018-02-06. Review status: criteria provided, single submitter. Criteria: ARUP Molecular Germline Variant Investigation Process. Collection method: clinical testing. Allele origin: germline.
Comment: The CFTR c.3672T>A; p.Asn1224Lys variant (rs371475225) has been observed in trans with a common pathogenic CFTR variant (F508del) in an individual exhibiting no clinical signs of cystic fibrosis (Oca 2009). This variant is observed in the general population at an overall frequency of 0.02% (49/244772 alleles) in the Genome Aggregation Database. The asparagine at codon 1224 is weakly conserved and computational algorithms (SIFT, PolyPhen2, MutationTaster) predict this variant to be tolerated. However, given the lack of clinical and functional data, the significance of this variant cannot be determined with certainty. References: Oca F et al. Amniotic fluid digestive enzyme analysis is useful for identifying CFTR gene mutations of unclear significance. Clin Chem. 2009 Dec;55(12):2214-7.

Natera, Inc.
Classification: Uncertain significance for CFTR-related disorders. Last evaluated: 2018-05-24. Review status: no assertion criteria provided. Collection method: clinical testing. Allele origin: germline. Not counted in ClinVar's aggregate classification.

Literature cited by the submitters: PubMed 19833837 (cited by Women's Health and Genetics/Laboratory Corporation of America, LabCorp and Mayo Clinic Laboratories, Mayo Clinic); PubMed 26214305 (cited by Women's Health and Genetics/Laboratory Corporation of America, LabCorp).

NM_000492.4(CFTR):c.3672T>A (p.Asn1224Lys)

Genes: CFTR (CF transmembrane conductance regulator; plus strand), CFTR-AS2 (CFTR antisense RNA 2; minus strand). Cytogenetic location: 7q31.2.
Variant type: single nucleotide variant.
Coding change: c.3672T>A on transcript NM_000492.4 (MANE Select); coding-DNA position 3672, T replaced by A.
Protein change: p.Asn1224Lys; replaces asparagine 1224 with lysine.
Molecular consequence: missense variant.
Genome position (GRCh38, 1-based): chr7:117,627,725, T>A. VCF-style: chr7-117627725-T-A. GRCh37 (hg19) VCF-style: chr7-117267779-T-A.
Other names: short protein forms N1224K.
Identifiers: ClinVar variation 495934 (VCV000495934.21), dbSNP rs371475225, ClinGen allele CA4451513.